The following is an entry in ClinVar:

NM_000059.4(BRCA2):c.6707A>G (p.Glu2236Gly)

Gene: BRCA2 (BRCA2 DNA repair associated; plus strand). Cytogenetic location: 13q13.1.
Variant type: single nucleotide variant.
Coding change: c.6707A>G on transcript NM_000059.4 (MANE Select); coding-DNA position 6707, A replaced by G.
Protein change: p.Glu2236Gly; replaces glutamic acid 2236 with glycine.
Molecular consequence: missense variant.
Genome position (GRCh38, 1-based): chr13:32,341,062, A>G. VCF-style: chr13-32341062-A-G. GRCh37 (hg19) VCF-style: chr13-32915199-A-G.
Other names: short protein forms E2236G.
Identifiers: ClinVar variation 489774 (VCV000489774.6), dbSNP rs1555284803, ClinGen allele CA387790974.
Genomic context (GRCh38, chr13:32,341,062, plus strand): 5'-CCAAAGATTCAGAAAACTACTTTGAAACAGAAGCAGTAGAAATTGCTAAAGCTTTTATGG[A>G]AGATGATGAACTGACAGATTCTAAACTGCCAAGTCATGCCACACATTCTCTTTTTACATG-3'
Protein context (NP_000050.3, residues 2226-2246): EAVEIAKAFM[Glu2236Gly]DDELTDSKLP

ClinVar aggregate classification (germline): Conflicting classifications of pathogenicity. Review status: criteria provided, conflicting classifications (1 of 4 stars). 2 submissions from 2 submitters: Uncertain significance (1); Likely benign (1). Last evaluated 2023-03-23.

Conditions:
Hereditary cancer-predisposing syndrome. Also called: Hereditary Cancer Syndrome; Neoplastic Syndromes, Hereditary; Tumor predisposition; Hereditary neoplastic syndrome. Identifiers: Orphanet 140162, MedGen C0027672, MeSH D009386, MONDO:0015356.

gnomAD v4.1: 1 of 1,614,018 alleles (0.000062%); highest among the groups gnomAD compares: Non-Finnish European, 0.000085%; no homozygotes.

Submissions (2):

University of Washington Department of Laboratory Medicine, University of Washington
Classification: Likely benign for Hereditary cancer-predisposing syndrome. Last evaluated: 2023-03-23. Review status: criteria provided, single submitter. Criteria: Dines et al. (Genet Med. 2020). Collection method: curation. Allele origin: germline.
Comment: Missense variant in a coldspot region where missense variants are very unlikely to be pathogenic (PMID:31911673).

BRCA2 exon 11 coldspot. Reclassification based on statistical prior probability.

Color Diagnostics, LLC DBA Color Health
Classification: Uncertain significance for Hereditary cancer-predisposing syndrome. Last evaluated: 2019-05-08. Review status: criteria provided, single submitter. Criteria: ACMG Guidelines, 2015. Collection method: clinical testing. Allele origin: germline.